The following is an entry in ClinVar:

ClinVar aggregate classification (germline): Uncertain significance (1 of 4 stars; one submission).

Conditions:
Ataxia-telangiectasia syndrome (AT). Also called: Cerebello-oculocutaneous telangiectasia; Immunodeficiency with ataxia telangiectasia; AT, COMPLEMENTATION GROUP C; Ataxia-telangiectasia, complementation group E; LOUIS-BAR SYNDROME; ATAXIA-TELANGIECTASIA, COMPLEMENTATION GROUP A. Identifiers: Orphanet 100, MedGen C0004135, MONDO:0008840, OMIM 208900.

Submission:

Labcorp Genetics (formerly Invitae), Labcorp
Classification: Uncertain significance for Ataxia-telangiectasia syndrome. Last evaluated: 2021-07-15. Review status: criteria provided, single submitter. Criteria: Invitae Variant Classification Sherloc (09022015). Collection method: clinical testing. Allele origin: germline.
Comment: In summary, the available evidence is currently insufficient to determine the role of this variant in disease. Therefore, it has been classified as a Variant of Uncertain Significance. Advanced modeling of protein sequence and biophysical properties (such as structural, functional, and spatial information, amino acid conservation, physicochemical variation, residue mobility, and thermodynamic stability) performed at Invitae indicates that this missense variant is not expected to disrupt ATM protein function. This variant has not been reported in the literature in individuals with ATM-related conditions. This variant is not present in population databases (ExAC no frequency). This sequence change replaces serine with arginine at codon 875 of the ATM protein (p.Ser875Arg). The serine residue is weakly conserved and there is a moderate physicochemical difference between serine and arginine.

NM_000051.4(ATM):c.2625C>G (p.Ser875Arg)

Gene: ATM (ATM serine/threonine kinase; plus strand). Cytogenetic location: 11q22.3.
Variant type: single nucleotide variant.
Coding change: c.2625C>G on transcript NM_000051.4 (MANE Select); coding-DNA position 2625, C replaced by G.
Protein change: p.Ser875Arg; replaces serine 875 with arginine.
Molecular consequence: missense variant.
Genome position (GRCh38, 1-based): chr11:108,267,329, C>G. VCF-style: chr11-108267329-C-G. GRCh37 (hg19) VCF-style: chr11-108138056-C-G.
Other names: c.2625C>G, p.Ser875Arg (NM_001351834.2); short protein forms S875R.
Identifiers: ClinVar variation 1368421 (VCV001368421.8), dbSNP rs1591588785, ClinGen allele CA382544283.